The following is an entry in ClinVar:

NM_020745.4(AARS2):c.2528A>G (p.Glu843Gly)

Gene: AARS2 (alanyl-tRNA synthetase 2, mitochondrial; minus strand). Cytogenetic location: 6p21.1.
Variant type: single nucleotide variant.
Coding change: c.2528A>G on transcript NM_020745.4 (MANE Select); coding-DNA position 2528, A replaced by G.
Protein change: p.Glu843Gly; replaces glutamic acid 843 with glycine.
Molecular consequence: missense variant.
Genome position (GRCh38, 1-based): chr6:44,302,130, T>C on the plus strand (A>G on the coding strand, the complement: AARS2 is on the minus strand). VCF-style: chr6-44302130-T-C. GRCh37 (hg19) VCF-style: chr6-44269867-T-C.
Other names: short protein forms E843G.
Identifiers: ClinVar variation 3362027 (VCV003362027.1).

ClinVar aggregate classification (germline): Uncertain significance (1 of 4 stars; one submission).

Submission:

GeneDx
Classification: Uncertain significance. Last evaluated: 2024-04-02. Review status: criteria provided, single submitter. Criteria: GeneDx Variant Classification Process June 2021. Collection method: clinical testing. Allele origin: germline. Affected: yes.
Comment: Not observed at significant frequency in large population cohorts (gnomAD); In silico analysis supports that this missense variant has a deleterious effect on protein structure/function; Has not been previously published as pathogenic or benign to our knowledge; This variant is associated with the following publications: (PMID: 27535533)